The following is an entry in ClinVar:

NM_000165.5(GJA1):c.202A>G (p.Lys68Glu)

Gene: GJA1 (gap junction protein alpha 1; plus strand). Cytogenetic location: 6q22.31.
Variant type: single nucleotide variant.
Coding change: c.202A>G on transcript NM_000165.5 (MANE Select); coding-DNA position 202, A replaced by G.
Protein change: p.Lys68Glu; replaces lysine 68 with glutamic acid.
Molecular consequence: missense variant.
Genome position (GRCh38, 1-based): chr6:121,447,049, A>G. VCF-style: chr6-121447049-A-G. GRCh37 (hg19) VCF-style: chr6-121768195-A-G.
Other names: short protein forms K68E.
Identifiers: ClinVar variation 3371126 (VCV003371126.1).
Genomic context (GRCh38, chr6:121,447,049, plus strand): 5'-GAGCAGTCTGCCTTTCGTTGTAACACTCAGCAACCTGGTTGTGAAAATGTCTGCTATGAC[A>G]AGTCTTTCCCAATCTCTCATGTGCGCTTCTGGGTCCTGCAGATCATATTTGTGTCTGTAC-3'
Protein context (NP_000156.1, residues 58-78): QPGCENVCYD[Lys68Glu]SFPISHVRFW

ClinVar aggregate classification (germline): Uncertain significance (1 of 4 stars; one submission).

Submission:

GeneDx
Classification: Uncertain significance. Last evaluated: 2024-04-05. Review status: criteria provided, single submitter. Criteria: GeneDx Variant Classification Process June 2021. Collection method: clinical testing. Allele origin: germline. Affected: yes.
Comment: Not observed at significant frequency in large population cohorts (gnomAD); In silico analysis indicates that this missense variant does not alter protein structure/function; Has not been previously published as pathogenic or benign to our knowledge